The following is an entry in ClinVar:

ClinVar aggregate classification (germline): Uncertain significance (1 of 4 stars; one submission).

Allele frequency attached by ClinVar (database versions not stated): gnomAD exomes below 0.00001.
gnomAD v4.1: 1 of 1,487,756 alleles (0.000067%); highest among the groups gnomAD compares: South Asian, 0.0013%; no homozygotes.

Submission:

Ambry Genetics
Classification: Uncertain significance. Last evaluated: 2023-11-01. Review status: criteria provided, single submitter. Criteria: Ambry Variant Classification Scheme 2023. Collection method: clinical testing. Allele origin: germline.
Comment: The p.D1656E variant (also known as c.4968T>G), located in coding exon 38 of the PRKDC gene, results from a T to G substitution at nucleotide position 4968. The aspartic acid at codon 1656 is replaced by glutamic acid, an amino acid with highly similar properties. This amino acid position is conserved. In addition, the in silico prediction for this alteration is inconclusive. Since supporting evidence is limited at this time, the clinical significance of this alteration remains unclear.

NM_006904.7(PRKDC):c.4968T>G (p.Asp1656Glu)

Gene: PRKDC (protein kinase, DNA-activated, catalytic subunit; minus strand). Cytogenetic location: 8q11.21.
Variant type: single nucleotide variant.
Coding change: c.4968T>G on transcript NM_006904.7 (MANE Select); coding-DNA position 4968, T replaced by G.
Protein change: p.Asp1656Glu; replaces aspartic acid 1656 with glutamic acid.
Molecular consequence: missense variant.
Genome position (GRCh38, 1-based): chr8:47,881,515, A>C on the plus strand (T>G on the coding strand, the complement: PRKDC is on the minus strand). VCF-style: chr8-47881515-A-C. GRCh37 (hg19) VCF-style: chr8-48794076-A-C.
Other names: c.4968T>G, p.Asp1656Glu (NM_001081640.2); short protein forms D1656E.
Identifiers: ClinVar variation 3225865 (VCV003225865.1), dbSNP rs2551872573, ClinGen allele CA371140088.